The following is an entry in ClinVar:

ClinVar aggregate classification (germline): Uncertain significance (1 of 4 stars; one submission).

Submission:

Labcorp Genetics (formerly Invitae), Labcorp
Classification: Uncertain significance. Last evaluated: 2023-07-17. Review status: criteria provided, single submitter. Criteria: Invitae Variant Classification Sherloc (09022015). Collection method: clinical testing. Allele origin: germline.
Comment: In summary, the available evidence is currently insufficient to determine the role of this variant in disease. Therefore, it has been classified as a Variant of Uncertain Significance. Advanced modeling of protein sequence and biophysical properties (such as structural, functional, and spatial information, amino acid conservation, physicochemical variation, residue mobility, and thermodynamic stability) performed at Invitae indicates that this missense variant is expected to disrupt KCNJ6 protein function. This variant has not been reported in the literature in individuals affected with KCNJ6-related conditions. This variant is not present in population databases (gnomAD no frequency). This sequence change replaces serine, which is neutral and polar, with proline, which is neutral and non-polar, at codon 324 of the KCNJ6 protein (p.Ser324Pro).

NM_002240.5(KCNJ6):c.970T>C (p.Ser324Pro)

Genes: KCNJ6 (potassium inwardly rectifying channel subfamily J member 6; minus strand), KCNJ6-AS1 (KCNJ6 antisense RNA 1; plus strand). Cytogenetic location: 21q22.13.
Variant type: single nucleotide variant.
Coding change: c.970T>C on transcript NM_002240.5 (MANE Select); coding-DNA position 970, T replaced by C.
Protein change: p.Ser324Pro; replaces serine 324 with proline.
Molecular consequence: missense variant.
Genome position (GRCh38, 1-based): chr21:37,625,461, A>G on the plus strand (T>C on the coding strand, the complement: KCNJ6 is on the minus strand). VCF-style: chr21-37625461-A-G. GRCh37 (hg19) VCF-style: chr21-38997763-A-G.
Other names: short protein forms S324P.
Identifiers: ClinVar variation 2744158 (VCV002744158.3), dbSNP rs2518150342, ClinGen allele CA409967528.
Genomic context (GRCh38, chr21:37,625,461, plus strand): 5'-CCTCCAGGGTCAGGACAGGTGTGAACCGGTAACCCCACAGGATCTCACTGGTGATGTAGG[A>G]GCTTCGAGCTTGGCATGTCATCCCTGCAGAGAGAAGAATGGAGGCTTTAGCATATGTAAG-3'
Protein context (NP_002231.1, residues 314-334): ATGMTCQARS[Ser324Pro]YITSEILWGY